The following is an entry in ClinVar:

ClinVar aggregate classification (germline): Uncertain significance. Review status: criteria provided, multiple submitters, no conflicts (2 of 4 stars). 4 submissions from 4 submitters: Uncertain significance (4). Last evaluated 2026-01-27.

Conditions:
Atrial fibrillation, familial, 7 (ATFB7). Identifiers: MedGen C2677106, MONDO:0012828, OMIM 612240.

Allele frequency attached by ClinVar (database versions not stated): TOPMed 0.00005; ExAC 0.00007; gnomAD 0.00007; ESP Exome Variant Server 0.00008.
gnomAD v4.1: 164 of 1,614,062 alleles (0.01%); highest among the groups gnomAD compares: Middle Eastern, 0.033%; no homozygotes.

Submissions (4):

Labcorp Genetics (formerly Invitae), Labcorp
Classification: Uncertain significance for Atrial fibrillation, familial, 7. Last evaluated: 2026-01-27. Review status: criteria provided, single submitter. Criteria: Invitae Variant Classification Sherloc (09022015). Collection method: clinical testing. Allele origin: germline.
Comment: This sequence change replaces arginine, which is basic and polar, with tryptophan, which is neutral and slightly polar, at codon 525 of the KCNA5 protein (p.Arg525Trp). This variant is present in population databases (rs376656991, gnomAD 0.02%). This missense change has been observed in individual(s) with left ventricular non-compaction (PMID: 34088380). ClinVar contains an entry for this variant (Variation ID: 944575). Invitae Evidence Modeling of protein sequence and biophysical properties (such as structural, functional, and spatial information, amino acid conservation, physicochemical variation, residue mobility, and thermodynamic stability) indicates that this missense variant is expected to disrupt KCNA5 protein function with a positive predictive value of 80%. In summary, the available evidence is currently insufficient to determine the role of this variant in disease. Therefore, it has been classified as a Variant of Uncertain Significance.

Department of Pathology and Laboratory Medicine, Sinai Health System
Classification: Uncertain significance for Atrial fibrillation, familial, 7. Last evaluated: 2022-05-12. Review status: criteria provided, single submitter. Criteria: ACMG Guidelines, 2015. Collection method: research. Allele origin: germline.

Blueprint Genetics
Classification: Uncertain significance. Last evaluated: 2021-12-17. Review status: criteria provided, single submitter. Criteria: ACMG Guidelines, 2015. Collection method: clinical testing. Allele origin: germline.

Fulgent Genetics
Classification: Uncertain significance for Atrial fibrillation, familial, 7. Last evaluated: 2021-11-16. Review status: criteria provided, single submitter. Criteria: ACMG Guidelines, 2015. Collection method: clinical testing. Allele origin: unknown.

Literature cited by the submitters: PubMed 34088380 (cited by Labcorp Genetics (formerly Invitae), Labcorp).

NM_002234.4(KCNA5):c.1573C>T (p.Arg525Trp)

Gene: KCNA5 (potassium voltage-gated channel subfamily A member 5; plus strand). Cytogenetic location: 12p13.32.
Variant type: single nucleotide variant.
Coding change: c.1573C>T on transcript NM_002234.4 (MANE Select); coding-DNA position 1573, C replaced by T.
Protein change: p.Arg525Trp; replaces arginine 525 with tryptophan.
Molecular consequence: missense variant.
Genome position (GRCh38, 1-based): chr12:5,045,720, C>T. VCF-style: chr12-5045720-C-T. GRCh37 (hg19) VCF-style: chr12-5154886-C-T.
Other names: short protein forms R525W.
Identifiers: ClinVar variation 944575 (VCV000944575.12), dbSNP rs376656991, ClinGen allele CA6399894.
Genomic context (GRCh38, chr12:5,045,720, plus strand): 5'-GTCCTCACCATTGCCCTGCCTGTGCCCGTCATCGTCTCCAACTTCAACTACTTCTACCAC[C>T]GGGAAACGGATCACGAGGAGCCGGCAGTCCTTAAGGAAGAGCAGGGCACTCAGAGCCAGG-3'
Protein context (NP_002225.2, residues 515-535): IVSNFNYFYH[Arg525Trp]ETDHEEPAVL